The following is an entry in ClinVar:

ClinVar aggregate classification (germline): Likely benign (1 of 4 stars; one submission).

Submission:

CeGaT Center for Human Genetics Tuebingen
Classification: Likely benign. Last evaluated: 2025-01-01. Review status: criteria provided, single submitter. Criteria: CeGaT Center For Human Genetics Tuebingen Variant Classification Criteria Version 2. Collection method: clinical testing. Allele origin: germline. Affected: yes. Observed: 1 variant allele.
Comment: MSN: PM2:Supporting, BP4, BP7

NM_002444.3(MSN):c.258T>G (p.Pro86=)

Gene: MSN (moesin; plus strand). Cytogenetic location: Xq12.
Variant type: single nucleotide variant.
Coding change: c.258T>G on transcript NM_002444.3 (MANE Select); coding-DNA position 258, T replaced by G.
Protein change: p.Pro86=; no amino-acid change (proline 86 retained).
Molecular consequence: synonymous variant.
Genome position (GRCh38, 1-based): chrX:65,729,503, T>G. VCF-style: chrX-65729503-T-G. GRCh37 (hg19) VCF-style: chrX-64949365-T-G.
Identifiers: ClinVar variation 3771969 (VCV003771969.13).